The following is an entry in ClinVar:

ClinVar aggregate classification (germline): Uncertain significance. Review status: criteria provided, multiple submitters, no conflicts (2 of 4 stars). 2 submissions from 2 submitters: Uncertain significance (2). Last evaluated 2025-02-24.

Conditions:
Pulmonary hypertension, primary, 1 (PPH1). Also called: Pulmonary hypertension, familial primary, 1, with or without HHT. Identifiers: Orphanet 422, MedGen C4552070, MONDO:0024533, OMIM 178600.
Pulmonary venoocclusive disease 1 (PVOD1). Also called: Pulmonary venoocclusive disease 1, autosomal dominant. Identifiers: Orphanet 31837, MedGen C3887658, MONDO:0020713, OMIM 265450.
Inborn genetic diseases. Identifiers: MedGen C0950123, MeSH D030342.

gnomAD v4.1: 8 of 1,614,152 alleles (0.0005%); highest among the groups gnomAD compares: Non-Finnish European, 0.00068%; no homozygotes.

Submissions (2):

Ambry Genetics
Classification: Uncertain significance for Inborn genetic diseases. Last evaluated: 2025-02-24. Review status: criteria provided, single submitter. Criteria: Ambry Variant Classification Scheme 2023. Collection method: clinical testing. Allele origin: germline.
Comment: The p.S689C variant (also known as c.2066C>G), located in coding exon 12 of the BMPR2 gene, results from a C to G substitution at nucleotide position 2066. The serine at codon 689 is replaced by cysteine, an amino acid with dissimilar properties. This amino acid position is conserved. In addition, this alteration is predicted to be deleterious by in silico analysis. Based on the available evidence, the clinical significance of this variant remains unclear.

Fulgent Genetics
Classification: Uncertain significance for Pulmonary hypertension, primary, 1; Pulmonary venoocclusive disease 1. Last evaluated: 2024-04-30. Review status: criteria provided, single submitter. Criteria: ACMG Guidelines, 2015. Collection method: clinical testing. Allele origin: germline.

NM_001204.7(BMPR2):c.2066C>G (p.Ser689Cys)

Gene: BMPR2 (bone morphogenetic protein receptor type 2; plus strand). Cytogenetic location: 2q33.2.
Variant type: single nucleotide variant.
Coding change: c.2066C>G on transcript NM_001204.7 (MANE Select); coding-DNA position 2066, C replaced by G.
Protein change: p.Ser689Cys; replaces serine 689 with cysteine.
Molecular consequence: missense variant.
Genome position (GRCh38, 1-based): chr2:202,555,731, C>G. VCF-style: chr2-202555731-C-G. GRCh37 (hg19) VCF-style: chr2-203420454-C-G.
Other names: short protein forms S689C.
Identifiers: ClinVar variation 3585297 (VCV003585297.2).